The following is an entry in ClinVar:

NM_030943.4(AMN):c.125del (p.Pro42fs)

Gene: AMN (amnion associated transmembrane protein; plus strand). Cytogenetic location: 14q32.32.
Variant type: Deletion.
Coding change: c.125del on transcript NM_030943.4 (MANE Select); coding-DNA position 125, one base deleted (C; older notation c.125delC).
Protein change: p.Pro42fs; shifts the reading frame from proline 42.
Molecular consequence: frameshift variant. On other transcripts: 5 prime UTR variant (1).
Genome position (GRCh38, 1-based): chr14:102,923,792, C deleted; the last of 4 consecutive C bases (chr14:102,923,789-102,923,792); deleting any one gives the same sequence. VCF-style (leftmost placement, unchanged base first): chr14-102923788-AC-A. GRCh37 (hg19) VCF-style: chr14-103390125-AC-A.
Other names: c.-38del (NM_001425246.1); short protein forms P42fs.
Identifiers: ClinVar variation 4279616 (VCV004279616.1).

ClinVar aggregate classification (germline): Likely pathogenic (1 of 4 stars; one submission).

Conditions:
Imerslund-Grasbeck syndrome type 2. Also called: MEGALOBLASTIC ANEMIA, NORWEGIAN TYPE; Imerslund-Gräsbeck syndrome 2; Megaloblastic anemia 1, Norwegian type. Identifiers: MedGen C4016948, MONDO:0100157, OMIM 618882.

Submission:

Diagnostics Services (NGS), CSIR - Centre For Cellular And Molecular Biology
Classification: Likely pathogenic for Imerslund-Grasbeck syndrome type 2. Last evaluated: 2025-09-04. Review status: criteria provided, single submitter. Criteria: ACMG Guidelines, 2015. Collection method: clinical testing. Allele origin: germline. Affected: yes. Observed: 1 variant allele, 1 homozygote.
Comment: The c.125del variant is not present in publicly available population databases like 1000 Genomes, EVS, gnomAD, Indian Exome Database or our internal database. This variant has neither been published in literature in individuals affected with AMN-related conditions nor reported to clinical databases like Human Genome Mutation Database (HGMD), ClinVar or OMIM in any affected individuals. In-silico pathogenicity prediction programs like MutationTaster2021, CADD, Varsome, Franklin etc predicted this variant to be likely deleterious. This variant causes frameshift at the 157th amino acid position of the wild-type transcript that creates a premature translational stop signal at the altered transcript, that may either result in translation of a truncated protein or cause nonsense-mediated decay of the mRNA.